The following is an entry in ClinVar:

NM_004006.3(DMD):c.9727C>T (p.Gln3243Ter)

Gene: DMD (dystrophin; minus strand). Cytogenetic location: Xp21.2.
Variant type: single nucleotide variant.
Coding change: c.9727C>T on transcript NM_004006.3 (MANE Select); coding-DNA position 9727, C replaced by T.
Protein change: p.Gln3243Ter; replaces glutamine 3243 with a stop codon.
Molecular consequence: nonsense.
Genome position (GRCh38, 1-based): chrX:31,204,041, G>A on the plus strand (C>T on the coding strand, the complement: DMD is on the minus strand). VCF-style: chrX-31204041-G-A. GRCh37 (hg19) VCF-style: chrX-31222158-G-A.
Other names: c.9703C>T, p.Gln3235Ter (NM_000109.4); c.9715C>T, p.Gln3239Ter (NM_004009.3); c.9358C>T, p.Gln3120Ter (NM_004010.3); c.5704C>T, p.Gln1902Ter (NM_004011.4); c.5695C>T, p.Gln1899Ter (NM_004012.4); c.2347C>T, p.Gln783Ter (NM_004013.3, NM_004020.4, NM_004021.3 and 2 more transcripts); c.1540C>T, p.Gln514Ter (NM_004014.3); c.523C>T, p.Gln175Ter (NM_004015.3, NM_004016.3, NM_004017.3 and 2 more transcripts); short protein forms Q3243*, Q3120*, Q1899*, Q3239*, Q514*, Q783*, Q175*, Q1902*.
Identifiers: ClinVar variation 595953 (VCV000595953.7), dbSNP rs1569460722, ClinGen allele CA412648585.

ClinVar aggregate classification (germline): Pathogenic. Review status: criteria provided, multiple submitters, no conflicts (2 of 4 stars). 2 submissions from 2 submitters: Pathogenic (2). Last evaluated 2025-01-06.

Conditions:
Duchenne muscular dystrophy (DMD). Also called: MUSCULAR DYSTROPHY, PSEUDOHYPERTROPHIC PROGRESSIVE, DUCHENNE TYPE; Duchenne Muscular Dystrophy (DMD). Identifiers: Orphanet 98896, MedGen C0013264, MONDO:0010679, OMIM 310200.

Submissions (2):

Labcorp Genetics (formerly Invitae), Labcorp
Classification: Pathogenic for Duchenne muscular dystrophy. Last evaluated: 2025-01-06. Review status: criteria provided, single submitter. Criteria: Invitae Variant Classification Sherloc (09022015). Collection method: clinical testing. Allele origin: germline.
Comment: This sequence change creates a premature translational stop signal (p.Gln3243*) in the DMD gene. It is expected to result in an absent or disrupted protein product. Loss-of-function variants in DMD are known to be pathogenic (PMID: 16770791, 25007885). This variant is not present in population databases (gnomAD no frequency). This variant has not been reported in the literature in individuals affected with DMD-related conditions. ClinVar contains an entry for this variant (Variation ID: 595953). For these reasons, this variant has been classified as Pathogenic.

Eurofins Ntd Llc (ga)
Classification: Pathogenic. Last evaluated: 2018-01-31. Review status: criteria provided, single submitter. Criteria: EGL Classification Definitions 2015. Collection method: clinical testing. Allele origin: germline. Observed: 1 variant allele, 1 hemizygote.

Literature cited by the submitters: PubMed 16770791 (cited by Labcorp Genetics (formerly Invitae), Labcorp); PubMed 25007885 (cited by Labcorp Genetics (formerly Invitae), Labcorp).